The following is an entry in ClinVar:

NM_001394062.1(MACF1):c.15571G>T (p.Gly5191Trp)

Gene: MACF1 (microtubule actin crosslinking factor 1; plus strand). Cytogenetic location: 1p34.3.
Variant type: single nucleotide variant.
Coding change: c.15571G>T on transcript NM_001394062.1 (MANE Select); coding-DNA position 15571, G replaced by T.
Protein change: p.Gly5191Trp; replaces glycine 5191 with tryptophan.
Molecular consequence: missense variant.
Genome position (GRCh38, 1-based): chr1:39,388,413, G>T. VCF-style: chr1-39388413-G-T. GRCh37 (hg19) VCF-style: chr1-39854085-G-T.
Other names: c.9385G>T, p.Gly3129Trp (NM_012090.5); short protein forms G3129W, G5191W.
Identifiers: ClinVar variation 1031175 (VCV001031175.1), dbSNP rs1641883203, ClinGen allele CA339746196.

ClinVar aggregate classification (germline): Uncertain significance (1 of 4 stars; one submission).

Conditions:
Lissencephaly 9 with complex brainstem malformation. Identifiers: Orphanet 572013, MedGen C5193029, MONDO:0032677, OMIM 618325.

Submission:

Baylor Genetics
Classification: Uncertain significance for Lissencephaly 9 with complex brainstem malformation. Last evaluated: 2020-06-10. Review status: criteria provided, single submitter. Criteria: ACMG Guidelines, 2015. Collection method: clinical testing. Allele origin: unknown. Affected: yes.
Comment: This variant was determined to be of uncertain significance according to ACMG Guidelines, 2015 [PMID:25741868].